The following is an entry in ClinVar:

ClinVar aggregate classification (germline): Pathogenic (1 of 4 stars; one submission).

Allele frequency attached by ClinVar (database versions not stated): gnomAD exomes below 0.00001; gnomAD 0.00001; TOPMed 0.00002.
gnomAD v4.1: 4 of 1,614,076 alleles (0.00025%); highest among the groups gnomAD compares: Admixed American, 0.0067%; no homozygotes.

Submission:

Labcorp Genetics (formerly Invitae), Labcorp
Classification: Pathogenic. Last evaluated: 2024-01-08. Review status: criteria provided, single submitter. Criteria: Invitae Variant Classification Sherloc (09022015). Collection method: clinical testing. Allele origin: germline.
Comment: This sequence change creates a premature translational stop signal (p.Glu165*) in the C8B gene. It is expected to result in an absent or disrupted protein product. Loss-of-function variants in C8B are known to be pathogenic (PMID: 7594510). This variant is present in population databases (no rsID available, gnomAD 0.003%). This variant has not been reported in the literature in individuals affected with C8B-related conditions. For these reasons, this variant has been classified as Pathogenic.

Literature cited by the submitters: PubMed 7594510.

NM_000066.4(C8B):c.493G>T (p.Glu165Ter)

Gene: C8B (complement C8 beta chain; minus strand). Cytogenetic location: 1p32.2.
Variant type: single nucleotide variant.
Coding change: c.493G>T on transcript NM_000066.4 (MANE Select); coding-DNA position 493, G replaced by T.
Protein change: p.Glu165Ter; replaces glutamic acid 165 with a stop codon.
Molecular consequence: nonsense.
Genome position (GRCh38, 1-based): chr1:56,954,726, C>A on the plus strand (G>T on the coding strand, the complement: C8B is on the minus strand). VCF-style: chr1-56954726-C-A. GRCh37 (hg19) VCF-style: chr1-57420399-C-A.
Other names: c.337G>T, p.Glu113Ter (NM_001278543.2); c.307G>T, p.Glu103Ter (NM_001278544.2); short protein forms E103*, E113*, E165*.
Identifiers: ClinVar variation 2857921 (VCV002857921.3), dbSNP rs866880466, ClinGen allele CA340509921.